The following is an entry in ClinVar:

NM_001005273.3(CHD3):c.5701C>T (p.Arg1901Cys)

Gene: CHD3 (chromodomain helicase DNA binding protein 3; plus strand). Cytogenetic location: 17p13.1.
Variant type: single nucleotide variant.
Coding change: c.5701C>T on transcript NM_001005273.3 (MANE Select); coding-DNA position 5701, C replaced by T.
Protein change: p.Arg1901Cys; replaces arginine 1901 with cysteine.
Molecular consequence: missense variant.
Genome position (GRCh38, 1-based): chr17:7,910,538, C>T. VCF-style: chr17-7910538-C-T. GRCh37 (hg19) VCF-style: chr17-7813856-C-T.
Other names: c.5878C>T, p.Arg1960Cys (NM_001005271.3); c.5599C>T, p.Arg1867Cys (NM_005852.4); short protein forms R1867C, R1901C, R1960C.
Identifiers: ClinVar variation 2647439 (VCV002647439.24), dbSNP rs765857922, ClinGen allele CA8363727.

ClinVar aggregate classification (germline): Uncertain significance (1 of 4 stars; one submission).

Allele frequency attached by ClinVar (database versions not stated): TOPMed below 0.00001; ExAC 0.00001; gnomAD 0.00001; gnomAD exomes 0.00001.
gnomAD v4.1: 9 of 1,613,192 alleles (0.00056%); highest among the groups gnomAD compares: East Asian, 0.0022%; no homozygotes.

Submission:

CeGaT Center for Human Genetics Tuebingen
Classification: Uncertain significance. Last evaluated: 2022-04-01. Review status: criteria provided, single submitter. Criteria: CeGaT Center For Human Genetics Tuebingen Variant Classification Criteria Version 2. Collection method: clinical testing. Allele origin: germline. Affected: yes. Observed: 1 variant allele.
Comment: CHD3: PP2, PP3